The following is an entry in ClinVar:

NM_006206.6(PDGFRA):c.682G>C (p.Gly228Arg)

Gene: PDGFRA (platelet derived growth factor receptor alpha; plus strand). Cytogenetic location: 4q12.
Variant type: single nucleotide variant.
Coding change: c.682G>C on transcript NM_006206.6 (MANE Select); coding-DNA position 682, G replaced by C.
Protein change: p.Gly228Arg; replaces glycine 228 with arginine.
Molecular consequence: missense variant.
Genome position (GRCh38, 1-based): chr4:54,264,972, G>C. VCF-style: chr4-54264972-G-C. GRCh37 (hg19) VCF-style: chr4-55131139-G-C.
Other names: c.682G>C, p.Gly228Arg (NM_001347827.2, NM_001347829.2); c.757G>C, p.Gly253Arg (NM_001347828.2); c.721G>C, p.Gly241Arg (NM_001347830.2); short protein forms G228R, G241R, G253R.
Identifiers: ClinVar variation 2858149 (VCV002858149.3), dbSNP rs1722954202, ClinGen allele CA356890866.

ClinVar aggregate classification (germline): Uncertain significance (1 of 4 stars; one submission).

Conditions:
Gastrointestinal stromal tumor. Also called: Gastrointestinal stromal tumor, somatic; Gastrointestinal stroma tumor. Identifiers: Orphanet 44890, MedGen C0238198, MeSH D046152, MONDO:0011719, OMIM 606764, HP:0100723.

Submission:

Labcorp Genetics (formerly Invitae), Labcorp
Classification: Uncertain significance for Gastrointestinal stromal tumor. Last evaluated: 2023-04-22. Review status: criteria provided, single submitter. Criteria: Invitae Variant Classification Sherloc (09022015). Collection method: clinical testing. Allele origin: germline.
Comment: This sequence change replaces glycine, which is neutral and non-polar, with arginine, which is basic and polar, at codon 228 of the PDGFRA protein (p.Gly228Arg). This variant is not present in population databases (gnomAD no frequency). In summary, the available evidence is currently insufficient to determine the role of this variant in disease. Therefore, it has been classified as a Variant of Uncertain Significance. Advanced modeling of protein sequence and biophysical properties (such as structural, functional, and spatial information, amino acid conservation, physicochemical variation, residue mobility, and thermodynamic stability) has been performed at Invitae for this missense variant, however the output from this modeling did not meet the statistical confidence thresholds required to predict the impact of this variant on PDGFRA protein function. This variant has not been reported in the literature in individuals affected with PDGFRA-related conditions.